The following is an entry in ClinVar:

ClinVar aggregate classification (germline): Uncertain significance (1 of 4 stars; one submission).

Conditions:
Kleefstra syndrome 1 (KLEFS1). Identifiers: Orphanet 261494, MedGen C0795833, MONDO:0027407, OMIM 610253.

Allele frequency attached by ClinVar (database versions not stated): TOPMed below 0.00001.

Submission:

Labcorp Genetics (formerly Invitae), Labcorp
Classification: Uncertain significance for Kleefstra syndrome 1. Last evaluated: 2023-05-30. Review status: criteria provided, single submitter. Criteria: Invitae Variant Classification Sherloc (09022015). Collection method: clinical testing. Allele origin: germline.
Comment: In summary, the available evidence is currently insufficient to determine the role of this variant in disease. Therefore, it has been classified as a Variant of Uncertain Significance. Advanced modeling of protein sequence and biophysical properties (such as structural, functional, and spatial information, amino acid conservation, physicochemical variation, residue mobility, and thermodynamic stability) performed at Invitae indicates that this missense variant is not expected to disrupt EHMT1 protein function. This variant has not been reported in the literature in individuals affected with EHMT1-related conditions. This variant is not present in population databases (gnomAD no frequency). This sequence change replaces leucine, which is neutral and non-polar, with valine, which is neutral and non-polar, at codon 1130 of the EHMT1 protein (p.Leu1130Val).

NM_024757.5(EHMT1):c.3388C>G (p.Leu1130Val)

Gene: EHMT1 (euchromatic histone lysine methyltransferase 1; plus strand). Cytogenetic location: 9q34.3.
Variant type: single nucleotide variant.
Coding change: c.3388C>G on transcript NM_024757.5 (MANE Select); coding-DNA position 3388, C replaced by G.
Protein change: p.Leu1130Val; replaces leucine 1130 with valine.
Molecular consequence: missense variant.
Genome position (GRCh38, 1-based): chr9:137,817,452, C>G. VCF-style: chr9-137817452-C-G. GRCh37 (hg19) VCF-style: chr9-140711904-C-G.
Other names: c.3367C>G, p.Leu1123Val (NM_001354263.2); short protein forms L1130V, L1123V.
Identifiers: ClinVar variation 2967266 (VCV002967266.3), dbSNP rs1955010769, ClinGen allele CA375772957.
Genomic context (GRCh38, chr9:137,817,452, plus strand): 5'-CAGGCTGAGGCTGTGGCCTGGGTTCACCACTACTCTCTATTTTTCAGGGCAAGGCTGCAG[C>G]TCTACCGGACGCGGGACATGGGCTGGGGCGTGCGGTCCCTGCAGGACATCCCACCAGGCA-3'
Protein context (NP_079033.4, residues 1120-1140): VQNGLRARLQ[Leu1130Val]YRTRDMGWGV